The following is an entry in ClinVar:

NM_002878.4(RAD51D):c.*4G>C

Genes: RAD51L3-RFFL (RAD51L3-RFFL readthrough; minus strand), RAD51D (RAD51 paralog D; minus strand). Cytogenetic location: 17q12.
Variant type: single nucleotide variant.
Coding change: c.*4G>C on transcript NM_002878.4 (MANE Select); 4 bases downstream of the stop codon, G replaced by C.
Molecular consequence: 3 prime UTR variant. On other transcripts: non-coding transcript variant (2).
Genome position (GRCh38, 1-based): chr17:35,100,949, C>G on the plus strand (G>C on the coding strand, the complement: RAD51D is on the minus strand). VCF-style: chr17-35100949-C-G. GRCh37 (hg19) VCF-style: chr17-33427968-C-G.
Other names: c.*4G>C (NM_001142571.2, NM_133629.3).
Identifiers: ClinVar variation 1171226 (VCV001171226.4), dbSNP rs876659026, ClinGen allele CA2499224266.

ClinVar aggregate classification (germline): Benign/Likely benign. Review status: criteria provided, multiple submitters, no conflicts (2 of 4 stars). 2 submissions from 2 submitters: Benign (1); Likely benign (1). Last evaluated 2025-11-24.

Conditions:
Hereditary cancer-predisposing syndrome. Also called: Tumor predisposition; Hereditary neoplastic syndrome; Hereditary Cancer Syndrome; Neoplastic Syndromes, Hereditary. Identifiers: Orphanet 140162, MedGen C0027672, MeSH D009386, MONDO:0015356.
Breast-ovarian cancer, familial, susceptibility to, 4. Identifiers: Orphanet 145, MedGen C3280345, MONDO:0013669, OMIM 614291.

gnomAD v4.1: 2 of 1,610,026 alleles (0.00012%); highest among the groups gnomAD compares: Non-Finnish European, 0.00017%; no homozygotes.

Submissions (2):

Color Diagnostics, LLC DBA Color Health
Classification: Likely benign for Hereditary cancer-predisposing syndrome. Last evaluated: 2025-11-24. Review status: criteria provided, single submitter. Criteria: ACMG Guidelines, 2015. Collection method: clinical testing. Allele origin: germline.

Myriad Genetics, Inc.
Classification: Benign for Breast-ovarian cancer, familial, susceptibility to, 4. Last evaluated: 2025-02-25. Review status: criteria provided, single submitter. Criteria: Myriad Autosomal Dominant, Autosomal Recessive and X-Linked Classification Criteria (2023). Collection method: clinical testing. Allele origin: unknown.
Comment: This variant is considered benign. This variant occurs in the non-coding 3' untranslated region of the gene, and is not expected to impact protein function.